The following is an entry in ClinVar:

NM_000393.5(COL5A2):c.2230-16T>A

Gene: COL5A2 (collagen type V alpha 2 chain; minus strand). Cytogenetic location: 2q32.2.
Variant type: single nucleotide variant.
Coding change: c.2230-16T>A on transcript NM_000393.5 (MANE Select); 16 bases into the intron before coding-DNA position 2230, T replaced by A.
Molecular consequence: intron variant.
Genome position (GRCh38, 1-based): chr2:189,057,443, A>T on the plus strand (T>A on the coding strand, the complement: COL5A2 is on the minus strand). VCF-style: chr2-189057443-A-T. GRCh37 (hg19) VCF-style: chr2-189922169-A-T.
Identifiers: ClinVar variation 213104 (VCV000213104.25), dbSNP rs375334470, ClinGen allele CA325200.
Genomic context (GRCh38, chr2:189,057,443, plus strand): 5'-TGGTGGGCCTGTATCTCCAGGGGTCCCAGATGGACCTGGACTGCCCTAAAATGAACCAAC[A>T]TTAAGTGACCATACCAATAATATTAAGATTAAACTAATGAAATTGCTTTTTAGTGGGTCA-3'

ClinVar aggregate classification (germline): Benign/Likely benign. Review status: criteria provided, multiple submitters, no conflicts (2 of 4 stars). 7 submissions from 7 submitters: Benign (3); Likely benign (4). Last evaluated 2026-09-01.

Conditions:
Ehlers-Danlos syndrome, classic type, 2 (EDSCL2). Also called: Ehlers-Danlos syndrome type 2 (formerly); Ehlers-Danlos syndrome, type 2; Ehlers-Danlos Syndrome, Classic Type, COL5A2-Related. Identifiers: Orphanet 287, Orphanet 90318, MedGen C0268336, MONDO:0019568, OMIM 130010.
Ehlers-Danlos syndrome, classic type, 1 (EDSCL1). Also called: Ehlers-Danlos syndrome, type 1; EHLERS-DANLOS SYNDROME, GRAVIS TYPE; EHLERS-DANLOS SYNDROME, SEVERE CLASSIC TYPE; Ehlers-Danlos Syndrome, Classic Type, COL5A1-Related; EDS I. Identifiers: MedGen C0268335, MONDO:0019567, OMIM 130000.

Allele frequency attached by ClinVar (database versions not stated): TOPMed 0.00025; gnomAD 0.00029 and 0.00031; ESP Exome Variant Server 0.00031; ExAC 0.00035.
gnomAD v4.1: 603 of 1,543,060 alleles (0.039%); highest among the groups gnomAD compares: Non-Finnish European, 0.051%; 2 homozygotes.

Submissions (7):

CeGaT Center for Human Genetics Tuebingen
Classification: Benign. Last evaluated: 2026-09-01. Review status: criteria provided, single submitter. Criteria: CeGaT Center For Human Genetics Tuebingen Variant Classification Criteria Version 2. Collection method: clinical testing. Allele origin: germline. Affected: yes. Observed: 2 variant alleles.
Comment: COL5A2: BS1, BS2

Labcorp Genetics (formerly Invitae), Labcorp
Classification: Benign for Ehlers-Danlos syndrome, classic type, 1. Last evaluated: 2026-01-26. Review status: criteria provided, single submitter. Criteria: Invitae Variant Classification Sherloc (09022015). Collection method: clinical testing. Allele origin: germline.

Women's Health and Genetics/Laboratory Corporation of America, LabCorp
Classification: Benign. Last evaluated: 2025-11-28. Review status: criteria provided, single submitter. Criteria: LabCorp Variant Classification Summary - May 2015. Collection method: clinical testing. Allele origin: germline.

Blueprint Genetics
Classification: Likely benign. Last evaluated: 2024-11-11. Review status: criteria provided, single submitter. Criteria: ACMG Guidelines, 2015. Collection method: clinical testing. Allele origin: germline.

ARUP Laboratories, Molecular Genetics and Genomics, ARUP Laboratories
Classification: Likely benign for Ehlers-Danlos syndrome, classic type, 2. Last evaluated: 2024-03-20. Review status: criteria provided, single submitter. Criteria: ARUP Molecular Germline Variant Investigation Process 2024. Collection method: clinical testing. Allele origin: germline.

GeneDx
Classification: Likely benign. Last evaluated: 2017-11-30. Review status: criteria provided, single submitter. Criteria: GeneDx Variant Classification (06012015). Collection method: clinical testing. Allele origin: germline. Affected: yes.
Comment: This variant is considered likely benign or benign based on one or more of the following criteria: it is a conservative change, it occurs at a poorly conserved position in the protein, it is predicted to be benign by multiple in silico algorithms, and/or has population frequency not consistent with disease.

PreventionGenetics, part of Exact Sciences
Classification: Likely benign. Review status: criteria provided, single submitter. Criteria: ACMG Guidelines, 2015. Collection method: clinical testing. Allele origin: germline.